The following is an entry in ClinVar:

NM_001330260.2(SCN8A):c.5638A>G (p.Lys1880Glu)

Gene: SCN8A (sodium voltage-gated channel alpha subunit 8; plus strand). Cytogenetic location: 12q13.13.
Variant type: single nucleotide variant.
Coding change: c.5638A>G on transcript NM_001330260.2 (MANE Select); coding-DNA position 5638, A replaced by G.
Protein change: p.Lys1880Glu; replaces lysine 1880 with glutamic acid.
Molecular consequence: missense variant.
Genome position (GRCh38, 1-based): chr12:51,807,124, A>G. VCF-style: chr12-51807124-A-G. GRCh37 (hg19) VCF-style: chr12-52200908-A-G.
Other names: c.5638A>G (NM_014191.2); c.5515A>G, p.Lys1839Glu (NM_001177984.3, NM_001369788.1); c.5638A>G, p.Lys1880Glu (NM_014191.4); short protein forms K1839E, K1880E.
Identifiers: ClinVar variation 1040115 (VCV001040115.12), dbSNP rs1555231128, ClinGen allele CA384888255.

ClinVar aggregate classification (germline): Conflicting classifications of pathogenicity. Review status: criteria provided, conflicting classifications (1 of 4 stars). 3 submissions from 3 submitters: Likely pathogenic (2); Uncertain significance (1). Last evaluated 2026-07-22.

Conditions:
Inborn genetic diseases. Identifiers: MedGen C0950123, MeSH D030342.
Early-infantile DEE. Also called: Ohtahara syndrome; Early infantile epileptic encephalopathy; Early infantile epileptic encephalopathy with suppression bursts. Identifiers: Orphanet 1934, MedGen C0393706, MONDO:0800491.
Myoclonus. Also called: Involuntary jerking movements; Myoclonic jerks. Identifiers: MedGen C0027066, HP:0001336.

Submissions (3):

Ambry Genetics
Classification: Likely pathogenic for Inborn genetic diseases. Last evaluated: 2026-07-22. Review status: criteria provided, single submitter. Criteria: Ambry Variant Classification Scheme 2023. Collection method: clinical testing. Allele origin: germline.
Comment: The c.5638A>G (p.K1880E) alteration is located in exon 27 (coding exon 26) of the SCN8A gene. This alteration results from a A to G substitution at nucleotide position 5638, causing the lysine (K) at amino acid position 1880 to be replaced by a glutamic acid (E). for SCN8A-related seizure disorder; however, its clinical significance for SCN8A-related neurodevelopmental disorder is uncertain This variant was not reported in population-based cohorts in the Genome Aggregation Database (gnomAD). This variant was determined to be de novo in at least one individual with features consistent with SCN8A-related seizure disorder (El Naofal, 2023). This amino acid position is highly conserved in available vertebrate species. This alteration is predicted to be deleterious by in silico analysis. Based on the available evidence, this alteration is classified as likely pathogenic.

Dubai Health Genomic Medicine Center, Dubai Health
Classification: Likely pathogenic for Myoclonus. Last evaluated: 2024-10-04. Review status: criteria provided, single submitter. Criteria: ACMG Guidelines, 2015. Collection method: research. Allele origin: germline. Affected: yes.
Comment: PM2, PP3, PP4, PS2

Labcorp Genetics (formerly Invitae), Labcorp
Classification: Uncertain significance for Early-infantile DEE. Last evaluated: 2020-10-03. Review status: criteria provided, single submitter. Criteria: Invitae Variant Classification Sherloc (09022015). Collection method: clinical testing. Allele origin: germline.
Comment: In summary, the available evidence is currently insufficient to determine the role of this variant in disease. Therefore, it has been classified as a Variant of Uncertain Significance. Algorithms developed to predict the effect of missense changes on protein structure and function are either unavailable or do not agree on the potential impact of this missense change (SIFT: "Deleterious"; PolyPhen-2: "Probably Damaging"; Align-GVGD: "Class C0"). This variant has not been reported in the literature in individuals with SCN8A-related conditions. This variant is not present in population databases (ExAC no frequency). This sequence change replaces lysine with glutamic acid at codon 1880 of the SCN8A protein (p.Lys1880Glu). The lysine residue is highly conserved and there is a small physicochemical difference between lysine and glutamic acid.

Literature cited by the submitters: PubMed 36703223 (cited by Ambry Genetics).